The following is an entry in ClinVar:

ClinVar aggregate classification (germline): Uncertain significance (1 of 4 stars; one submission).

Conditions:
Autosomal recessive proximal renal tubular acidosis (PRTAO). Also called: RENAL TUBULAR ACIDOSIS, PROXIMAL, WITH OCULAR ABNORMALITIES AND MENTAL RETARDATION; RENAL TUBULAR ACIDOSIS, PROXIMAL, WITH OCULAR ABNORMALITIES AND IMPAIRED INTELLECTUAL DEVELOPMENT; RTA, PROXIMAL, AUTOSOMAL RECESSIVE; PROXIMAL RENAL TUBULAR ACIDOSIS-OCULAR ANOMALY SYNDROME. Identifiers: Orphanet 93607, MedGen C1970309, MONDO:0011422, OMIM 604278.

Allele frequency attached by ClinVar (database versions not stated): gnomAD exomes below 0.00001; TOPMed below 0.00001.
gnomAD v4.1: 2 of 1,610,342 alleles (0.00012%); highest among the groups gnomAD compares: African/African-American, 0.0013%; no homozygotes.

Submission:

3billion
Classification: Uncertain significance for Autosomal recessive proximal renal tubular acidosis. Last evaluated: 2023-02-23. Review status: criteria provided, single submitter. Criteria: ACMG Guidelines, 2015. Collection method: clinical testing. Allele origin: unknown. Affected: yes.
Comment: The variant is not observed in the gnomAD v2.1.1 dataset. Missense changes are a common disease-causing mechanism. In silico tool predictions suggest damaging effect of the variant on gene or gene product (REVEL: 0.82). Therefore, this variant is classified as VUS according to the recommendation of ACMG/AMP guideline.

NM_001098484.3(SLC4A4):c.2951T>C (p.Val984Ala)

Gene: SLC4A4 (solute carrier family 4 member 4; plus strand). Cytogenetic location: 4q13.3.
Variant type: single nucleotide variant.
Coding change: c.2951T>C on transcript NM_001098484.3 (MANE Select); coding-DNA position 2951, T replaced by C.
Protein change: p.Val984Ala; replaces valine 984 with alanine.
Molecular consequence: missense variant.
Genome position (GRCh38, 1-based): chr4:71,560,106, T>C. VCF-style: chr4-71560106-T-C. GRCh37 (hg19) VCF-style: chr4-72425823-T-C.
Other names: c.2951T>C, p.Val984Ala (NM_001134742.2); c.2819T>C, p.Val940Ala (NM_003759.4); short protein forms V940A, V984A.
Identifiers: ClinVar variation 2444241 (VCV002444241.1), dbSNP rs1191238009, ClinGen allele CA357422666.